The following is an entry in ClinVar:

NM_172107.4(KCNQ2):c.1217+298C>T

Gene: KCNQ2 (potassium voltage-gated channel subfamily Q member 2; minus strand). Cytogenetic location: 20q13.33.
Variant type: single nucleotide variant.
Coding change: c.1217+298C>T on transcript NM_172107.4 (MANE Select); 298 bases into the intron after coding-DNA position 1217, C replaced by T.
Molecular consequence: intron variant.
Genome position (GRCh38, 1-based): chr20:63,428,069, G>A on the plus strand (C>T on the coding strand, the complement: KCNQ2 is on the minus strand). VCF-style: chr20-63428069-G-A. GRCh37 (hg19) VCF-style: chr20-62059422-G-A.
Other names: c.1187+298C>T (NM_004518.6); c.1217+298C>T (NM_172108.5, NM_172106.3).
Identifiers: ClinVar variation 668801 (VCV000668801.1), dbSNP rs2270240, ClinGen allele CA14855310.

ClinVar aggregate classification (germline): Benign (1 of 4 stars; one submission).

Allele frequency attached by ClinVar (database versions not stated): gnomAD 0.12938; TOPMed 0.15083; 1000 Genomes Project 30x 0.27092; 1000 Genomes Project 0.27196.
gnomAD v4.1: 20,529 of 152,150 alleles (13%); highest among the groups gnomAD compares: East Asian, 56%; 2,725 homozygotes.

Submission:

GeneDx
Classification: Benign. Last evaluated: 2018-06-19. Review status: criteria provided, single submitter. Criteria: GeneDx Variant Classification (06012015). Collection method: clinical testing. Allele origin: germline. Affected: yes.
Comment: This variant is considered likely benign or benign based on one or more of the following criteria: it is a conservative change, it occurs at a poorly conserved position in the protein, it is predicted to be benign by multiple in silico algorithms, and/or has population frequency not consistent with disease.